The following is an entry in ClinVar:

ClinVar aggregate classification (germline): Uncertain significance (1 of 4 stars; one submission).

Conditions:
Propionic acidemia (PROP). Also called: GLYCINEMIA, KETOTIC; HYPERGLYCINEMIA WITH KETOACIDOSIS AND LEUKOPENIA; KETOTIC HYPERGLYCINEMIA. Identifiers: Orphanet 35, MedGen C0268579, MONDO:0011628, OMIM 606054, HP:0003571.

Submission:

Labcorp Genetics (formerly Invitae), Labcorp
Classification: Uncertain significance for Propionic acidemia. Last evaluated: 2021-04-24. Review status: criteria provided, single submitter. Criteria: Invitae Variant Classification Sherloc (09022015). Collection method: clinical testing. Allele origin: germline.
Comment: In summary, the available evidence is currently insufficient to determine the role of this variant in disease. Therefore, it has been classified as a Variant of Uncertain Significance. This sequence change replaces alanine with valine at codon 66 of the PCCB protein (p.Ala66Val). The alanine residue is highly conserved and there is a small physicochemical difference between alanine and valine. This variant is not present in population databases (ExAC no frequency). This variant has not been reported in the literature in individuals with PCCB-related conditions. Algorithms developed to predict the effect of missense changes on protein structure and function (SIFT, PolyPhen-2, Align-GVGD) all suggest that this variant is likely to be disruptive, but these predictions have not been confirmed by published functional studies and their clinical significance is uncertain.

NM_000532.5(PCCB):c.197C>T (p.Ala66Val)

Gene: PCCB (propionyl-CoA carboxylase subunit beta; plus strand). Cytogenetic location: 3q22.3.
Variant type: single nucleotide variant.
Coding change: c.197C>T on transcript NM_000532.5 (MANE Select); coding-DNA position 197, C replaced by T.
Protein change: p.Ala66Val; replaces alanine 66 with valine.
Molecular consequence: missense variant.
Genome position (GRCh38, 1-based): chr3:136,255,869, C>T. VCF-style: chr3-136255869-C-T. GRCh37 (hg19) VCF-style: chr3-135974711-C-T.
Other names: c.197C>T, p.Ala66Val (NM_001178014.2); short protein forms A66V.
Identifiers: ClinVar variation 1434730 (VCV001434730.8), dbSNP rs2108137275, ClinGen allele CA354738379.